The following is an entry in ClinVar:

ClinVar aggregate classification (germline): Pathogenic (1 of 4 stars; one submission).

Conditions:
Inborn genetic diseases. Identifiers: MedGen C0950123, MeSH D030342.

Submission:

Ambry Genetics
Classification: Pathogenic for Inborn genetic diseases. Last evaluated: 2017-02-15. Review status: criteria provided, single submitter. Criteria: Ambry Variant Classification Scheme 2023. Collection method: clinical testing. Allele origin: germline.
Comment: The c.214delT pathogenic mutation, located in coding exon 2 of the MEF2C gene, results from a deletion of one nucleotide at nucleotide position 214, causing a translational frameshift with a predicted alternate stop codon (p.Y72Tfs*17). This alteration is expected to result in loss of function by premature protein truncation or nonsense-mediated mRNA decay. As such, this alteration is interpreted as a disease-causing mutation.

NM_002397.5(MEF2C):c.214del (p.Tyr72fs)

Gene: MEF2C (myocyte enhancer factor 2C; minus strand). Cytogenetic location: 5q14.3.
Variant type: Deletion.
Coding change: c.214del on transcript NM_002397.5 (MANE Select); coding-DNA position 214, one base deleted (T; older notation c.214delT).
Protein change: p.Tyr72fs; shifts the reading frame from tyrosine 72.
Molecular consequence: frameshift variant.
Genome position (GRCh38, 1-based): chr5:88,804,642, A deleted on the plus strand (T on the coding strand, the reverse complement: MEF2C is on the minus strand). VCF-style (leftmost placement, unchanged base first): chr5-88804641-TA-T. GRCh37 (hg19) VCF-style: chr5-88100458-TA-T.
Other names: c.214del, p.Tyr72fs (NM_001131005.2, NM_001193347.1, NM_001193348.1 and 29 more transcripts); short protein forms Y72fs.
Identifiers: ClinVar variation 521560 (VCV000521560.7), dbSNP rs1554139723, ClinGen allele CA658796543.